The following is an entry in ClinVar:

NM_005932.4(MIPEP):c.146_157del (p.Val49_Gln52del)

Genes: MIPEP (mitochondrial intermediate peptidase; minus strand), PCOTH (prostate and testis expressed opposite C1QTNF9B and MIPEP; plus strand). Cytogenetic location: 13q12.12.
Variant type: Deletion.
Coding change: c.146_157del on transcript NM_005932.4 (MANE Select); coding-DNA positions 146 to 157, 12 bases deleted (TCAAGCCCCAGG).
Protein change: p.Val49_Gln52del.
Molecular consequence: inframe deletion.
Genome position (GRCh38, 1-based): chr13:23,889,164-23,889,175, CCTGGGGCTTGA deleted on the plus strand (TCAAGCCCCAGG on the coding strand, the reverse complement: MIPEP is on the minus strand); deleting any 12 consecutive bases within chr13:23,889,164-23,889,176 gives the same sequence; the c. name uses the placement nearest the transcript's 3' end. VCF-style (leftmost placement, unchanged base first): chr13-23889163-CCCTGGGGCTTGA-C. GRCh37 (hg19) VCF-style: chr13-24463302-CCCTGGGGCTTGA-C.
Identifiers: ClinVar variation 2297854 (VCV002297854.2), dbSNP rs1303278611, ClinGen allele CA608985508.

ClinVar aggregate classification (germline): Uncertain significance (1 of 4 stars; one submission).

Conditions:
Inborn genetic diseases. Identifiers: MedGen C0950123, MeSH D030342.

Submission:

Ambry Genetics
Classification: Uncertain significance for Inborn genetic diseases. Last evaluated: 2022-07-25. Review status: criteria provided, single submitter. Criteria: Ambry Variant Classification Scheme 2023. Collection method: clinical testing. Allele origin: germline.
Comment: The c.146_157del12 (p.V49_Q52del) alteration is located in exon 1 (coding exon 1) of the MIPEP gene. This alteration consists of an in-frame deletion of 12 nucleotides between nucleotide positions c.146 and c.157, resulting in the deletion of <NA> residues. Based on insufficient or conflicting evidence, the clinical significance of this alteration remains unclear.